The following is an entry in ClinVar:

ClinVar aggregate classification (germline): Uncertain significance. Review status: criteria provided, multiple submitters, no conflicts (2 of 4 stars). 2 submissions from 2 submitters: Uncertain significance (2). Last evaluated 2024-04-29.

Conditions:
Hereditary cancer-predisposing syndrome. Also called: Neoplastic Syndromes, Hereditary; Hereditary Cancer Syndrome; Tumor predisposition; Hereditary neoplastic syndrome. Identifiers: Orphanet 140162, MedGen C0027672, MeSH D009386, MONDO:0015356.
Juvenile polyposis syndrome (JPS). Identifiers: Orphanet 2929, MedGen C0345893, MONDO:0017380, OMIM 174900.

Submissions (2):

Labcorp Genetics (formerly Invitae), Labcorp
Classification: Uncertain significance for Juvenile polyposis syndrome. Last evaluated: 2024-04-29. Review status: criteria provided, single submitter. Criteria: Invitae Variant Classification Sherloc (09022015). Collection method: clinical testing. Allele origin: germline.
Comment: This sequence change replaces glycine, which is neutral and non-polar, with arginine, which is basic and polar, at codon 92 of the BMPR1A protein (p.Gly92Arg). This variant is not present in population databases (gnomAD no frequency). This variant has not been reported in the literature in individuals affected with BMPR1A-related conditions. ClinVar contains an entry for this variant (Variation ID: 1036211). Advanced modeling of protein sequence and biophysical properties (such as structural, functional, and spatial information, amino acid conservation, physicochemical variation, residue mobility, and thermodynamic stability) has been performed at Invitae for this missense variant, however the output from this modeling did not meet the statistical confidence thresholds required to predict the impact of this variant on BMPR1A protein function. In summary, the available evidence is currently insufficient to determine the role of this variant in disease. Therefore, it has been classified as a Variant of Uncertain Significance.

Ambry Genetics
Classification: Uncertain significance for Hereditary cancer-predisposing syndrome. Last evaluated: 2024-01-30. Review status: criteria provided, single submitter. Criteria: Ambry Variant Classification Scheme 2023. Collection method: clinical testing. Allele origin: germline.
Comment: The p.G92R variant (also known as c.274G>C), located in coding exon 3 of the BMPR1A gene, results from a G to C substitution at nucleotide position 274. The glycine at codon 92 is replaced by arginine, an amino acid with dissimilar properties. This amino acid position is highly conserved in available vertebrate species. In addition, this alteration is predicted to be deleterious by in silico analysis. Since supporting evidence is limited at this time, the clinical significance of this alteration remains unclear.

NM_004329.3(BMPR1A):c.274G>C (p.Gly92Arg)

Gene: BMPR1A (bone morphogenetic protein receptor type 1A; plus strand). Cytogenetic location: 10q23.2.
Variant type: single nucleotide variant.
Coding change: c.274G>C on transcript NM_004329.3 (MANE Select); coding-DNA position 274, G replaced by C.
Protein change: p.Gly92Arg; replaces glycine 92 with arginine.
Molecular consequence: missense variant.
Genome position (GRCh38, 1-based): chr10:86,892,170, G>C. VCF-style: chr10-86892170-G-C. GRCh37 (hg19) VCF-style: chr10-88651927-G-C.
Other names: short protein forms G92R.
Identifiers: ClinVar variation 1036211 (VCV001036211.11), dbSNP rs1843160838, ClinGen allele CA377448092.